The following is an entry in ClinVar:

ClinVar aggregate classification (germline): Uncertain significance. Review status: criteria provided, multiple submitters, no conflicts (2 of 4 stars). 2 submissions from 2 submitters: Uncertain significance (2). Last evaluated 2025-11-30.

Conditions:
Ehlers-Danlos syndrome, classic type, 1 (EDSCL1). Also called: EHLERS-DANLOS SYNDROME, GRAVIS TYPE; EHLERS-DANLOS SYNDROME, SEVERE CLASSIC TYPE; Ehlers-Danlos syndrome, type 1; Ehlers-Danlos Syndrome, Classic Type, COL5A1-Related; EDS I. Identifiers: MedGen C0268335, MONDO:0019567, OMIM 130000.

Submissions (2):

Labcorp Genetics (formerly Invitae), Labcorp
Classification: Uncertain significance for Ehlers-Danlos syndrome, classic type, 1. Last evaluated: 2025-11-30. Review status: criteria provided, single submitter. Criteria: Invitae Variant Classification Sherloc (09022015). Collection method: clinical testing. Allele origin: germline.
Comment: This sequence change replaces glycine, which is neutral and non-polar, with arginine, which is basic and polar, at codon 1282 of the COL5A1 protein (p.Gly1282Arg). This variant is not present in population databases (gnomAD no frequency). This variant has not been reported in the literature in individuals affected with COL5A1-related conditions. ClinVar contains an entry for this variant (Variation ID: 1213445). Invitae Evidence Modeling of protein sequence and biophysical properties (such as structural, functional, and spatial information, amino acid conservation, physicochemical variation, residue mobility, and thermodynamic stability) indicates that this missense variant is expected to disrupt COL5A1 protein function with a positive predictive value of 95%. This variant disrupts the triple helix domain of COL5A1. Glycine residues within the Gly-Xaa-Yaa repeats of the triple helix domain are required for the structure and stability of fibrillar collagens (PMID: 7695699, 8218237, 19344236), and variants at these glycine residues in COL5A1 are more frequently observed in individuals with disease than in the general population (PMID: 22696272, 23587214). However, the clinical significance of this observation remains uncertain since only a limited number of affected individuals have been described to date. In summary, the available evidence is currently insufficient to determine the role of this variant in disease. Therefore, it has been classified as a Variant of Uncertain Significance.

GeneDx
Classification: Uncertain significance. Last evaluated: 2020-06-11. Review status: criteria provided, single submitter. Criteria: GeneDx Variant Classification Process June 2021. Collection method: clinical testing. Allele origin: germline. Affected: yes.
Comment: Has not been previously published as pathogenic or benign to our knowledge; Not observed in large population cohorts (Lek et al., 2016); In silico analysis, which includes protein predictors and evolutionary conservation, supports a deleterious effect

Literature cited by the submitters: PubMed 7695699 (cited by Labcorp Genetics (formerly Invitae), Labcorp); PubMed 8218237 (cited by Labcorp Genetics (formerly Invitae), Labcorp); PubMed 19344236 (cited by Labcorp Genetics (formerly Invitae), Labcorp); PubMed 22696272 (cited by Labcorp Genetics (formerly Invitae), Labcorp); PubMed 23587214 (cited by Labcorp Genetics (formerly Invitae), Labcorp).

NM_000093.5(COL5A1):c.3844G>A (p.Gly1282Arg)

Gene: COL5A1 (collagen type V alpha 1 chain; plus strand). Cytogenetic location: 9q34.3.
Variant type: single nucleotide variant.
Coding change: c.3844G>A on transcript NM_000093.5 (MANE Select); coding-DNA position 3844, G replaced by A.
Protein change: p.Gly1282Arg; replaces glycine 1282 with arginine.
Molecular consequence: missense variant.
Genome position (GRCh38, 1-based): chr9:134,812,704, G>A. VCF-style: chr9-134812704-G-A. GRCh37 (hg19) VCF-style: chr9-137704550-G-A.
Other names: c.3844G>A, p.Gly1282Arg (NM_001278074.1); short protein forms G1282R.
Identifiers: ClinVar variation 1213445 (VCV001213445.4), dbSNP rs1838574740, ClinGen allele CA375455120.